The following is an entry in ClinVar:

NM_058216.3(RAD51C):c.131C>A (p.Ser44Tyr)

Gene: RAD51C (RAD51 paralog C; plus strand). Cytogenetic location: 17q22.
Variant type: single nucleotide variant.
Coding change: c.131C>A on transcript NM_058216.3 (MANE Select); coding-DNA position 131, C replaced by A.
Protein change: p.Ser44Tyr; replaces serine 44 with tyrosine.
Molecular consequence: missense variant. On other transcripts: non-coding transcript variant (1).
Genome position (GRCh38, 1-based): chr17:58,692,774, C>A. VCF-style: chr17-58692774-C-A. GRCh37 (hg19) VCF-style: chr17-56770135-C-A.
Other names: c.131C>A, p.Ser44Tyr (NM_002876.4, NM_058217.1); short protein forms S44Y.
Identifiers: ClinVar variation 1719748 (VCV001719748.6), dbSNP rs2509262475, ClinGen allele CA400337719.

ClinVar aggregate classification (germline): Conflicting classifications of pathogenicity. Review status: criteria provided, conflicting classifications (1 of 4 stars). 2 submissions from 2 submitters: Uncertain significance (1); Likely benign (1). Last evaluated 2024-06-17.

Conditions:
Hereditary cancer-predisposing syndrome. Also called: Hereditary neoplastic syndrome; Tumor predisposition; Neoplastic Syndromes, Hereditary; Hereditary Cancer Syndrome. Identifiers: Orphanet 140162, MedGen C0027672, MeSH D009386, MONDO:0015356.
Fanconi anemia complementation group O. Also called: RAD51C-Related Fanconi Anemia. Identifiers: Orphanet 84, MedGen C3150653, MONDO:0013248, OMIM 613390.

Submissions (2):

Ambry Genetics
Classification: Likely benign for Hereditary cancer-predisposing syndrome. Last evaluated: 2024-06-17. Review status: criteria provided, single submitter. Criteria: Ambry Variant Classification Scheme 2023. Collection method: clinical testing. Allele origin: germline.

Labcorp Genetics (formerly Invitae), Labcorp
Classification: Uncertain significance for Fanconi anemia complementation group O. Last evaluated: 2022-10-10. Review status: criteria provided, single submitter. Criteria: Invitae Variant Classification Sherloc (09022015). Collection method: clinical testing. Allele origin: germline.
Comment: In summary, the available evidence is currently insufficient to determine the role of this variant in disease. Therefore, it has been classified as a Variant of Uncertain Significance. Advanced modeling of protein sequence and biophysical properties (such as structural, functional, and spatial information, amino acid conservation, physicochemical variation, residue mobility, and thermodynamic stability) performed at Invitae indicates that this missense variant is not expected to disrupt RAD51C protein function. This variant has not been reported in the literature in individuals affected with RAD51C-related conditions. This variant is not present in population databases (gnomAD no frequency). This sequence change replaces serine, which is neutral and polar, with tyrosine, which is neutral and polar, at codon 44 of the RAD51C protein (p.Ser44Tyr).